The following is an entry in ClinVar:

NM_153240.5(NPHP3):c.1930G>A (p.Val644Met)

Genes: NPHP3 (nephrocystin 3; minus strand), NPHP3-ACAD11 (NPHP3-ACAD11 readthrough (NMD candidate); minus strand). Cytogenetic location: 3q22.1.
Variant type: single nucleotide variant.
Coding change: c.1930G>A on transcript NM_153240.5 (MANE Select); coding-DNA position 1930, G replaced by A.
Protein change: p.Val644Met; replaces valine 644 with methionine.
Molecular consequence: missense variant.
Genome position (GRCh38, 1-based): chr3:132,699,408, C>T on the plus strand (G>A on the coding strand, the complement: NPHP3 is on the minus strand). VCF-style: chr3-132699408-C-T. GRCh37 (hg19) VCF-style: chr3-132418252-C-T.
Other names: short protein forms V644M.
Identifiers: ClinVar variation 961462 (VCV000961462.8), dbSNP rs1238689431, ClinGen allele CA354582483.
Genomic context (GRCh38, chr3:132,699,408, plus strand): 5'-CGTACCTCCATGCTGGAGGGCATGTTTCTACATTCACAGAAACAATTACTCTTACATTCA[C>T]TGGCAGTGGATCTATCAGCCATTTCATGTGTTTTTCAACTTGCTTAAAAATATAAAAACA-3'
Protein context (NP_694972.3, residues 634-654): HMKWLIDPLP[Val644Met]NVRVIVSVNV

ClinVar aggregate classification (germline): Uncertain significance. Review status: criteria provided, multiple submitters, no conflicts (2 of 4 stars). 2 submissions from 2 submitters: Uncertain significance (2). Last evaluated 2024-03-13.

Conditions:
Nephronophthisis. Also called: Juvenile Nephronophthisis. Identifiers: Orphanet 655, MedGen C0687120, MONDO:0019005, HP:0000090.
Renal-hepatic-pancreatic dysplasia 1 (RHPD1). Identifiers: MedGen C3715199, MONDO:0008833, OMIM 208540.
NPHP3-related Meckel-like syndrome. Also called: GOLDSTON SYNDROME; Meckel syndrome type 7. Identifiers: Orphanet 3032, MedGen C2673885, MONDO:0009966, OMIM 267010.
Nephronophthisis 3 (NPHP3). Also called: Adolescent nephronophthisis. Identifiers: Orphanet 655, MedGen C1858392, MONDO:0011456, OMIM 604387.

Allele frequency attached by ClinVar (database versions not stated): gnomAD exomes 0.00008; TOPMed 0.00011; gnomAD 0.00012 and 0.00013.

Submissions (2):

Fulgent Genetics
Classification: Uncertain significance for Renal-hepatic-pancreatic dysplasia 1; NPHP3-related Meckel-like syndrome; Nephronophthisis 3. Last evaluated: 2024-03-13. Review status: criteria provided, single submitter. Criteria: ACMG Guidelines, 2015. Collection method: clinical testing. Allele origin: germline.

Labcorp Genetics (formerly Invitae), Labcorp
Classification: Uncertain significance for Nephronophthisis. Last evaluated: 2022-03-04. Review status: criteria provided, single submitter. Criteria: Invitae Variant Classification Sherloc (09022015). Collection method: clinical testing. Allele origin: germline.
Comment: ClinVar contains an entry for this variant (Variation ID: 961462). This variant has not been reported in the literature in individuals affected with NPHP3-related conditions. This variant is present in population databases (no rsID available, gnomAD 0.05%). This sequence change replaces valine, which is neutral and non-polar, with methionine, which is neutral and non-polar, at codon 644 of the NPHP3 protein (p.Val644Met). In summary, the available evidence is currently insufficient to determine the role of this variant in disease. Therefore, it has been classified as a Variant of Uncertain Significance. Algorithms developed to predict the effect of missense changes on protein structure and function are either unavailable or do not agree on the potential impact of this missense change (SIFT: "Deleterious"; PolyPhen-2: "Probably Damaging"; Align-GVGD: "Class C0").